The following is an entry in ClinVar:

ClinVar aggregate classification (germline): Conflicting classifications of pathogenicity. Review status: criteria provided, conflicting classifications (1 of 4 stars). 5 submissions from 5 submitters: Uncertain significance (4); Likely benign (1). Last evaluated 2025-11-19.

Conditions:
Familial cancer of breast. Also called: BREAST CANCER, FAMILIAL; Hereditary breast cancer; hereditary breast carcinoma. Identifiers: Orphanet 227535, MedGen C0346153, MONDO:0016419, OMIM 114480. Disease mechanism: loss of function.
Pancreatic cancer, susceptibility to, 4. Identifiers: Orphanet 1333, MedGen C3280442, MONDO:0013685, OMIM 614320.
Fanconi anemia, complementation group S (FANCS). Identifiers: MedGen C4554406, MONDO:0054748, OMIM 617883.
Breast-ovarian cancer, familial, susceptibility to, 1 (BROVCA1). Also called: OVARIAN CANCER, SUSCEPTIBILITY TO; BRCA1 Hereditary Breast and Ovarian Cancer. Identifiers: Orphanet 145, MedGen C2676676, MONDO:0011450, OMIM 604370. Disease mechanism: loss of function.
Hereditary breast ovarian cancer syndrome. Also called: Hereditary breast and ovarian cancer syndrome; Hereditary breast and ovarian cancer syndrome (HBOC); BRCA1- and BRCA2-Associated Hereditary Breast and Ovarian Cancer; Breast and ovarian cancer; Hereditary breast and ovarian cancer; Hereditary breast and/or ovarian cancer syndrome. Identifiers: Orphanet 145, MedGen C0677776, MeSH D061325, MONDO:0003582. Disease mechanism: loss of function.
Hereditary cancer-predisposing syndrome. Also called: Hereditary Cancer Syndrome; Hereditary neoplastic syndrome; Tumor predisposition; Neoplastic Syndromes, Hereditary. Identifiers: Orphanet 140162, MedGen C0027672, MeSH D009386, MONDO:0015356.

Allele frequency attached by ClinVar (database versions not stated): gnomAD 0.00001; TOPMed 0.00002; ESP Exome Variant Server 0.00008.
gnomAD v4.1: 1 of 1,613,442 alleles (0.000062%); highest among the groups gnomAD compares: African/African-American, 0.0013%; no homozygotes.

Submissions (5):

Labcorp Genetics (formerly Invitae), Labcorp
Classification: Uncertain significance for Hereditary breast ovarian cancer syndrome. Last evaluated: 2025-11-19. Review status: criteria provided, single submitter. Criteria: Invitae Variant Classification Sherloc (09022015). Collection method: clinical testing. Allele origin: germline.
Comment: This sequence change replaces glutamic acid, which is acidic and polar, with lysine, which is basic and polar, at codon 1462 of the BRCA1 protein (p.Glu1462Lys). This variant is not present in population databases (gnomAD no frequency). This variant has not been reported in the literature in individuals affected with BRCA1-related conditions. ClinVar contains an entry for this variant (Variation ID: 194244). Invitae Evidence Modeling of protein sequence and biophysical properties (such as structural, functional, and spatial information, amino acid conservation, physicochemical variation, residue mobility, and thermodynamic stability) indicates that this missense variant is not expected to disrupt BRCA1 protein function with a negative predictive value of 80%. In summary, the available evidence is currently insufficient to determine the role of this variant in disease. Therefore, it has been classified as a Variant of Uncertain Significance.

Color Diagnostics, LLC DBA Color Health
Classification: Likely benign for Hereditary cancer-predisposing syndrome. Last evaluated: 2025-08-27. Review status: criteria provided, single submitter. Criteria: ACMG Guidelines, 2015. Collection method: clinical testing. Allele origin: germline.

Fulgent Genetics
Classification: Uncertain significance for Familial cancer of breast; Breast-ovarian cancer, familial, susceptibility to, 1; Pancreatic cancer, susceptibility to, 4; Fanconi anemia, complementation group S. Last evaluated: 2021-07-21. Review status: criteria provided, single submitter. Criteria: ACMG Guidelines, 2015. Collection method: clinical testing. Allele origin: unknown.

Ambry Genetics
Classification: Uncertain significance for Hereditary cancer-predisposing syndrome. Last evaluated: 2018-10-11. Review status: criteria provided, single submitter. Criteria: Ambry Variant Classification Scheme 2023. Collection method: clinical testing. Allele origin: germline.
Comment: The p.E1462K variant (also known as c.4384G>A), located in coding exon 12 of the BRCA1 gene, results from a G to A substitution at nucleotide position 4384. The glutamic acid at codon 1462 is replaced by lysine, an amino acid with similar properties. This amino acid position is not well conserved in available vertebrate species. In addition, the in silico prediction for this alteration is inconclusive. Since supporting evidence is limited at this time, the clinical significance of this alteration remains unclear.

Eurofins Ntd Llc (ga)
Classification: Uncertain significance. Last evaluated: 2014-08-07. Review status: criteria provided, single submitter. Criteria: EGL Classification Definitions 2015. Collection method: clinical testing. Allele origin: germline. Observed: 1 variant allele, 1 heterozygote.

NM_007294.4(BRCA1):c.4384G>A (p.Glu1462Lys)

Gene: BRCA1 (BRCA1 DNA repair associated; minus strand). Cytogenetic location: 17q21.31.
Variant type: single nucleotide variant.
Coding change: c.4384G>A on transcript NM_007294.4 (MANE Select); coding-DNA position 4384, G replaced by A.
Protein change: p.Glu1462Lys; replaces glutamic acid 1462 with lysine.
Molecular consequence: missense variant. On other transcripts: non-coding transcript variant (1).
Genome position (GRCh38, 1-based): chr17:43,076,588, C>T on the plus strand (G>A on the coding strand, the complement: BRCA1 is on the minus strand). VCF-style: chr17-43076588-C-T. GRCh37 (hg19) VCF-style: chr17-41228605-C-T.
Other names: c.4240G>A, p.Glu1414Lys (NM_001407732.1, NM_001407733.1, NM_001407734.1 and 21 more transcripts); c.4237G>A, p.Glu1413Lys (NM_001407838.1, NM_001407839.1, NM_001407841.1 and 12 more transcripts); c.4381G>A, p.Glu1461Lys (NM_001407859.1, NM_001407860.1, NM_001407610.1 and 17 more transcripts); c.4378G>A, p.Glu1460Lys (NM_001407861.1, NM_001407627.1, NM_001407628.1 and 14 more transcripts); c.4183G>A, p.Glu1395Lys (NM_001407862.1); c.4258G>A, p.Glu1420Lys (NM_001407863.1, NM_001407670.1, NM_001407671.1 and 11 more transcripts); c.4177G>A, p.Glu1393Lys (NM_001407874.1, NM_001407875.1); c.4174G>A, p.Glu1392Lys (NM_001407879.1, NM_001407881.1, NM_001407882.1 and 5 more transcripts); and 68 more; short protein forms E1462K, E358K, E1415K, E1483K, E1165K, E1166K, E1350K, E1420K.
Identifiers: ClinVar variation 194244 (VCV000194244.27), dbSNP rs141255461, ClinGen allele CA002811.